The following is an entry in ClinVar:

NM_006208.3(ENPP1):c.2101-9G>A

Gene: ENPP1 (ectonucleotide pyrophosphatase/phosphodiesterase 1; plus strand). Cytogenetic location: 6q23.2.
Variant type: single nucleotide variant.
Coding change: c.2101-9G>A on transcript NM_006208.3 (MANE Select); 9 bases into the intron before coding-DNA position 2101, G replaced by A.
Molecular consequence: intron variant.
Genome position (GRCh38, 1-based): chr6:131,882,336, G>A. VCF-style: chr6-131882336-G-A. GRCh37 (hg19) VCF-style: chr6-132203476-G-A.
Identifiers: ClinVar variation 2148246 (VCV002148246.5), dbSNP rs781350347, ClinGen allele CA4002430.

ClinVar aggregate classification (germline): Likely benign. Review status: criteria provided, multiple submitters, no conflicts (2 of 4 stars). 2 submissions from 2 submitters: Likely benign (2). Last evaluated 2025-05-18.

Allele frequency attached by ClinVar (database versions not stated): ExAC 0.00001.
gnomAD v4.1: 139 of 1,591,950 alleles (0.0087%); highest among the groups gnomAD compares: East Asian, 0.29%; no homozygotes.

Submissions (2):

Labcorp Genetics (formerly Invitae), Labcorp
Classification: Likely benign. Last evaluated: 2025-05-18. Review status: criteria provided, single submitter. Criteria: Invitae Variant Classification Sherloc (09022015). Collection method: clinical testing. Allele origin: germline.

Women's Health and Genetics/Laboratory Corporation of America, LabCorp
Classification: Likely benign. Last evaluated: 2024-05-15. Review status: criteria provided, single submitter. Criteria: LabCorp Variant Classification Summary - May 2015. Collection method: clinical testing. Allele origin: germline.
Comment: Variant summary: ENPP1 c.2101-9G>A alters a non-conserved nucleotide located at a position not widely known to affect splicing. Consensus agreement among computation tools predict no significant impact on normal splicing. However, these predictions have yet to be confirmed by functional studies. The variant allele was found at a frequency of 8e-06 in 249546 control chromosomes. The available data on variant occurrences in the general population are insufficient to allow any conclusion about variant significance. To our knowledge, no occurrence of c.2101-9G>A in individuals affected with ENPP1-Related Disorders and no experimental evidence demonstrating its impact on protein function have been reported. ClinVar contains an entry for this variant (Variation ID: 2148246). Based on the evidence outlined above, the variant was classified as likely benign.